The following is an entry in ClinVar:

NM_003119.4(SPG7):c.773_774del (p.Val258fs)

Gene: SPG7 (SPG7 matrix AAA peptidase subunit, paraplegin; plus strand). Cytogenetic location: 16q24.3.
Variant type: Microsatellite.
Coding change: c.773_774del on transcript NM_003119.4 (MANE Select); coding-DNA positions 773 to 774, 2 bases deleted (TG; older notation c.773_774delTG).
Protein change: p.Val258fs; shifts the reading frame from valine 258.
Molecular consequence: frameshift variant.
Genome position (GRCh38, 1-based): chr16:89,529,491-89,529,492, TG deleted; deleting any 2 consecutive bases within chr16:89,529,489-89,529,492 gives the same sequence; the c. name uses the placement nearest the transcript's 3' end. VCF-style (leftmost placement, unchanged base first): chr16-89529488-CTG-C. GRCh37 (hg19) VCF-style: chr16-89595896-CTG-C.
Other names: c.773_774del (NM_003119.2); c.773_774del, p.Val258fs (NM_001363850.1, NM_199367.3); c.773_774delTG (NM_003119.3); short protein forms V258fs.
Identifiers: ClinVar variation 504920 (VCV000504920.19), dbSNP rs768136171, ClinGen allele CA8243781.
Genomic context (GRCh38, chr16:89,529,488, plus strand): 5'-GTCACGTGACACCGTCTGAGCCTGTGCCTGCCTCTCTTTCTTCCGGCAGTGCCCTGTACT[CTG>C]TGGGGATGACGGCAGTGGGCCTGGCCATCCTGTGGTATGTTTTCCGTCTGGCCGGGATGA-3'

ClinVar aggregate classification (germline): Pathogenic. Review status: criteria provided, multiple submitters, no conflicts (2 of 4 stars). 11 submissions from 11 submitters: Pathogenic (10). 1 of the submissions does not count toward it. Last evaluated 2025-02-16.

Conditions:
Hereditary spastic paraplegia 7 (SPG7). Also called: SPASTIC PARAPLEGIA 7, AUTOSOMAL RECESSIVE, WITH OR WITHOUT CEREBELLAR ATAXIA; SPG7-related neurologic disorder; Spastic paraplegia 7; Hereditary spastic paraplegia Paraplegin type; Autosomal recessive spastic paraplegia type 7. Identifiers: Orphanet 99013, MedGen C1846564, MONDO:0011803, OMIM 607259.
SPG7-related disorder. Also called: SPG7-related condition.
Hereditary spastic paraplegia. Also called: Familial spastic paraparesis. Identifiers: Orphanet 685, MedGen C0037773, MONDO:0019064. Disease mechanism: loss of function.

Submissions (11):

Laboratory of Genetics, Children's Clinical University Hospital Latvia
Classification: Pathogenic. Last evaluated: 2025-02-16. Review status: criteria provided, single submitter. Criteria: ACMG Guidelines, 2015. Collection method: clinical testing. Allele origin: germline. Affected: yes.

Revvity Omics, Revvity
Classification: Pathogenic for Hereditary spastic paraplegia 7. Last evaluated: 2024-12-13. Review status: criteria provided, single submitter. Criteria: ACMG Guidelines, 2015. Collection method: clinical testing. Allele origin: germline.

Athena Diagnostics
Classification: Pathogenic. Last evaluated: 2024-11-19. Review status: criteria provided, single submitter. Criteria: Athena Diagnostics Criteria. Collection method: clinical testing. Allele origin: unknown.
Comment: This variant is expected to result in the loss of a functional protein. The frequency of this variant in the general population is consistent with pathogenicity. This variant has been identified in at least one individual with clinical features associated with this gene.

Labcorp Genetics (formerly Invitae), Labcorp
Classification: Pathogenic for Hereditary spastic paraplegia 7. Last evaluated: 2024-01-15. Review status: criteria provided, single submitter. Criteria: Invitae Variant Classification Sherloc (09022015). Collection method: clinical testing. Allele origin: germline.
Comment: This sequence change creates a premature translational stop signal (p.Val258Glyfs*30) in the SPG7 gene. It is expected to result in an absent or disrupted protein product. Loss-of-function variants in SPG7 are known to be pathogenic (PMID: 21623769, 22964162). This variant is present in population databases (rs768136171, gnomAD 0.007%). This premature translational stop signal has been observed in individual(s) with autosomal recessive hereditary spastic paraplegia (PMID: 9635427). This variant is also known as 784del2. ClinVar contains an entry for this variant (Variation ID: 504920). For these reasons, this variant has been classified as Pathogenic.

Blueprint Genetics
Classification: Pathogenic for SPG7-related disorders. Last evaluated: 2023-12-05. Review status: criteria provided, single submitter. Criteria: ACMG Guidelines, 2015. Collection method: clinical testing. Allele origin: germline. Affected: yes. Observed: 4 variant alleles.

PreventionGenetics, part of Exact Sciences
Classification: Pathogenic for SPG7-related condition. Last evaluated: 2022-11-21. Review status: criteria provided, single submitter. Criteria: ACMG Guidelines, 2015. Collection method: clinical testing. Allele origin: germline.
Comment: The SPG7 c.773_774delTG variant is predicted to result in a frameshift and premature protein termination (p.Val258Glyfs*30). This variant was reported in the homozygous and compound heterozygous states in patients with hereditary spastic paraplegia (Casari et al. 1998. PubMed ID: 9635427; da Graça et al. 2021. PubMed ID: 33956305; Table S2 in Mancini et al. 2019. PubMed ID: 30098094; Primiano et al. 2020. PubMed ID: 32317346). This variant was also found in a patient with dominant optic atrophy (Charif et al. 2020. PubMed ID: 32548275). This variant is reported in 0.0033% of alleles in individuals of South Asian descent in gnomAD. Frameshift variants in SPG7 are expected to be pathogenic. This variant is interpreted as pathogenic.

Fulgent Genetics
Classification: Pathogenic for Hereditary spastic paraplegia 7. Last evaluated: 2022-03-24. Review status: criteria provided, single submitter. Criteria: ACMG Guidelines, 2015. Collection method: clinical testing. Allele origin: unknown.

PROSPAX: an integrated multimodal progression  chart in spastic ataxias, Center for Neurology; Hertie-Institute for Clinical Brain Research
Classification: Pathogenic for Hereditary spastic paraplegia 7. Last evaluated: 2022-01-01. Review status: criteria provided, single submitter. Criteria: ACMG Guidelines, 2015. Collection method: research. Allele origin: germline. Affected: yes. Observed: 1 variant allele, 1 homozygote.

Mendelics
Classification: Pathogenic for Hereditary spastic paraplegia 7. Last evaluated: 2019-05-28. Review status: criteria provided, single submitter. Criteria: Mendelics Assertion Criteria 2017. Collection method: clinical testing. Allele origin: unknown.

Laboratory for Molecular Medicine, Mass General Brigham Personalized Medicine
Classification: Pathogenic for Hereditary spastic paraplegia. Last evaluated: 2016-03-28. Review status: criteria provided, single submitter. Criteria: LMM Criteria. Collection method: clinical testing. Allele origin: germline. Inheritance: Autosomal recessive inheritance. Observed: 1 variant allele.
Comment: The p.Val258GlyfsX30 variant in SPG7 has been reported in one homozygous individ ual with spastic papaplegia (Casari 1998) and was identified in 2/105,040 of chr omosomes by the Exome Aggregation Consortium (ExAC, rg). This variant causes a frameshift, which is predicted to alter the protein?s amino acid sequence beginning at position 258 and lead to a premature terminati on codon 30 amino acids downstream. This alteration is then predicted to lead to a truncated or absent protein. Variants causing loss of function in the SPG7 ge ne are associated with spastic paraplegia. In summary, this variant meets our cr iteria to be classified as pathogenic for spastic paraplegia in an autosomal rec essive manner based upon its predicted functional impact and homozygous case obs ervation.

OMIM
Classification: Pathogenic for SPASTIC PARAPLEGIA 7, AUTOSOMAL RECESSIVE, WITHOUT CEREBELLAR ATAXIA. Last evaluated: 1998-06-12. Review status: no assertion criteria provided. Collection method: literature only. Allele origin: germline. Not counted in ClinVar's aggregate classification.

Literature cited by the submitters: PubMed 9635427 (cited by 4 submitters); PubMed 34234304 (cited by Athena Diagnostics); PubMed 31589614 (cited by Athena Diagnostics); PubMed 30609409 (cited by Athena Diagnostics); PubMed 32548275 (cited by Athena Diagnostics); PubMed 33956305 (cited by Athena Diagnostics); PubMed 30098094 (cited by Athena Diagnostics); PubMed 32317346 (cited by Athena Diagnostics); PubMed 21623769 (cited by Labcorp Genetics (formerly Invitae), Labcorp); PubMed 22964162 (cited by Labcorp Genetics (formerly Invitae), Labcorp).